The following is an entry in ClinVar:

ClinVar aggregate classification (germline): Uncertain significance (1 of 4 stars; one submission).

Conditions:
Familial thoracic aortic aneurysm and aortic dissection (TAAD). Also called: Thoracic aortic aneurysms and dissections. Identifiers: Orphanet 91387, MedGen C4707243, MONDO:0019625.

gnomAD v4.1: 1 of 1,572,176 alleles (0.000064%); highest among the groups gnomAD compares: African/African-American, 0.0013%; no homozygotes.

Submission:

Ambry Genetics
Classification: Uncertain significance for Familial thoracic aortic aneurysm and aortic dissection. Last evaluated: 2022-08-16. Review status: criteria provided, single submitter. Criteria: Ambry Variant Classification Scheme 2023. Collection method: clinical testing. Allele origin: germline.
Comment: The p.E1623Q variant (also known as c.4867G>C), located in coding exon 26 of the NOTCH1 gene, results from a G to C substitution at nucleotide position 4867. The glutamic acid at codon 1623 is replaced by glutamine, an amino acid with highly similar properties. This amino acid position is conserved. In addition, this alteration is predicted to be tolerated by in silico analysis. Since supporting evidence is limited at this time, the clinical significance of this alteration remains unclear.

NM_017617.5(NOTCH1):c.4867G>C (p.Glu1623Gln)

Gene: NOTCH1 (notch receptor 1; minus strand). Cytogenetic location: 9q34.3.
Variant type: single nucleotide variant.
Coding change: c.4867G>C on transcript NM_017617.5 (MANE Select); coding-DNA position 4867, G replaced by C.
Protein change: p.Glu1623Gln; replaces glutamic acid 1623 with glutamine.
Molecular consequence: missense variant.
Genome position (GRCh38, 1-based): chr9:136,504,824, C>G on the plus strand (G>C on the coding strand, the complement: NOTCH1 is on the minus strand). VCF-style: chr9-136504824-C-G. GRCh37 (hg19) VCF-style: chr9-139399276-C-G.
Other names: short protein forms E1623Q.
Identifiers: ClinVar variation 1743671 (VCV001743671.2), dbSNP rs187112709, ClinGen allele CA375644614.
Genomic context (GRCh38, chr9:136,504,824, plus strand): 5'-CGTCAGGTGCGGCCCAGCCCTCGGCGGCACGCTTGATGGGGTGCTTGCGCAGCTCCTCCT[C>G]GCGGCCGTAGTAGGGGAAGATCATCTGCTGGCCGTGTGCGTCACGCTTGAAGACCACGTT-3'
Protein context (NP_060087.3, residues 1613-1633): QQMIFPYYGR[Glu1623Gln]EELRKHPIKR